The following is an entry in ClinVar:

ClinVar aggregate classification (germline): Benign. Review status: criteria provided, multiple submitters, no conflicts (2 of 4 stars). 2 submissions from 2 submitters: Benign (2). Last evaluated 2016-03-29.

Allele frequency attached by ClinVar (database versions not stated): ESP Exome Variant Server 0.20894; gnomAD exomes 0.24916 and 0.29984; 1000 Genomes Project 30x 0.29325; 1000 Genomes Project 0.29992; ExAC 0.31811; gnomAD 0.22888 and 0.23840; TOPMed 0.23011.
gnomAD v4.1: 385,847 of 1,550,806 alleles (25%); highest among the groups gnomAD compares: East Asian, 44%; 51,843 homozygotes.

Submissions (2):

Laboratory for Molecular Medicine, Mass General Brigham Personalized Medicine
Classification: Benign. Last evaluated: 2016-03-29. Review status: criteria provided, single submitter. Criteria: LMM Criteria. Collection method: clinical testing. Allele origin: germline.
Comment: Variant identified in a genome or exome case(s) and assessed due to predicted null impact of the variant or pathogenic assertions in the literature or databases. Disclaimer: This variant has not undergone full assessment. The following are preliminary notes: Frequency

Breakthrough Genomics
Classification: Benign. Review status: criteria provided, single submitter. Criteria: ACMG Guidelines, 2015. Collection method: not provided. Allele origin: germline. Inheritance: Unknown mechanism. Affected: yes.

NM_001366028.2(DNAH12):c.5179T>C (p.Tyr1727His)

Gene: DNAH12 (dynein axonemal heavy chain 12; minus strand). Cytogenetic location: 3p14.3.
Variant type: single nucleotide variant.
Coding change: c.5179T>C on transcript NM_001366028.2 (MANE Select); coding-DNA position 5179, T replaced by C.
Protein change: p.Tyr1727His; replaces tyrosine 1727 with histidine.
Molecular consequence: missense variant.
Genome position (GRCh38, 1-based): chr3:57,428,707, A>G on the plus strand (T>C on the coding strand, the complement: DNAH12 is on the minus strand). VCF-style: chr3-57428707-A-G. GRCh37 (hg19) VCF-style: chr3-57414434-A-G.
Other names: short protein forms Y1727H.
Identifiers: ClinVar variation 402635 (VCV000402635.5), dbSNP rs4462937, ClinGen allele CA2464867.